The following is an entry in ClinVar:

NM_000541.5(SAG):c.764C>T (p.Ser255Leu)

Gene: SAG (S-antigen visual arrestin; plus strand). Cytogenetic location: 2q37.1.
Variant type: single nucleotide variant.
Coding change: c.764C>T on transcript NM_000541.5 (MANE Select); coding-DNA position 764, C replaced by T.
Protein change: p.Ser255Leu; replaces serine 255 with leucine.
Molecular consequence: missense variant.
Genome position (GRCh38, 1-based): chr2:233,331,670, C>T. VCF-style: chr2-233331670-C-T. GRCh37 (hg19) VCF-style: chr2-234240316-C-T.
Other names: c.764C>T (NM_000541.4); short protein forms S255L.
Identifiers: ClinVar variation 1385285 (VCV001385285.10), dbSNP rs1441224639, ClinGen allele CA351048199.

ClinVar aggregate classification (germline): Uncertain significance. Review status: criteria provided, multiple submitters, no conflicts (2 of 4 stars). 3 submissions from 3 submitters: Uncertain significance (2). 1 of the submissions does not count toward it. Last evaluated 2022-09-27.

Conditions:
SAG-related disorder. Also called: SAG-related disorders; SAG-related condition.

Allele frequency attached by ClinVar (database versions not stated): gnomAD 0.00001.
gnomAD v4.1: 10 of 1,613,654 alleles (0.00062%); highest among the groups gnomAD compares: East Asian, 0.0045%; no homozygotes.

Submissions (3):

Labcorp Genetics (formerly Invitae), Labcorp
Classification: Uncertain significance. Last evaluated: 2022-09-27. Review status: criteria provided, single submitter. Criteria: Invitae Variant Classification Sherloc (09022015). Collection method: clinical testing. Allele origin: germline.
Comment: Advanced modeling of protein sequence and biophysical properties (such as structural, functional, and spatial information, amino acid conservation, physicochemical variation, residue mobility, and thermodynamic stability) performed at Invitae indicates that this missense variant is expected to disrupt SAG protein function. In summary, the available evidence is currently insufficient to determine the role of this variant in disease. Therefore, it has been classified as a Variant of Uncertain Significance. ClinVar contains an entry for this variant (Variation ID: 1385285). This variant has not been reported in the literature in individuals affected with SAG-related conditions. This variant is present in population databases (no rsID available, gnomAD 0.01%). This sequence change replaces serine, which is neutral and polar, with leucine, which is neutral and non-polar, at codon 255 of the SAG protein (p.Ser255Leu).

Blueprint Genetics
Classification: Uncertain significance. Last evaluated: 2022-07-28. Review status: criteria provided, single submitter. Criteria: ACMG Guidelines, 2015. Collection method: clinical testing. Allele origin: germline.

PreventionGenetics, part of Exact Sciences
Classification: Uncertain significance for SAG-related condition. Last evaluated: 2024-09-09. Review status: no assertion criteria provided. Collection method: clinical testing. Allele origin: germline. Not counted in ClinVar's aggregate classification.
Comment: The SAG c.764C>T variant is predicted to result in the amino acid substitution p.Ser255Leu. To our knowledge, this variant has not been reported in the literature. This variant is reported in 0.011% of alleles in individuals of African descent in gnomAD. At this time, the clinical significance of this variant is uncertain due to the absence of conclusive functional and genetic evidence.